The following is an entry in ClinVar:

NM_001386298.1(CIC):c.4664G>T (p.Arg1555Ile)

Gene: CIC (capicua transcriptional repressor; plus strand). Cytogenetic location: 19q13.2.
Variant type: single nucleotide variant.
Coding change: c.4664G>T on transcript NM_001386298.1 (MANE Select); coding-DNA position 4664, G replaced by T.
Protein change: p.Arg1555Ile; replaces arginine 1555 with isoleucine.
Molecular consequence: missense variant.
Genome position (GRCh38, 1-based): chr19:42,290,705, G>T. VCF-style: chr19-42290705-G-T. GRCh37 (hg19) VCF-style: chr19-42794857-G-T.
Other names: c.4664G>T, p.Arg1555Ile (NM_001304815.2, NM_001379480.1, NM_001379482.1 and 6 more transcripts); c.1937G>T, p.Arg646Ile (NM_001379484.1, NM_001379485.1, NM_001439189.1 and 3 more transcripts); short protein forms R1555I, R646I.
Identifiers: ClinVar variation 4975275 (VCV004975275.1).

ClinVar aggregate classification (germline): Uncertain significance (1 of 4 stars; one submission).

Submission:

GeneDx
Classification: Uncertain significance. Last evaluated: 2026-01-29. Review status: criteria provided, single submitter. Criteria: GeneDx Variant Classification Process June 2021. Collection method: clinical testing. Allele origin: germline.
Comment: Not observed at significant frequency in large population cohorts (gnomAD); In silico analysis suggests that this missense variant does not alter protein structure/function; Has not been previously published as pathogenic or benign to our knowledge